The following is an entry in ClinVar:

ClinVar aggregate classification (germline): Benign/Likely benign. Review status: criteria provided, multiple submitters, no conflicts (2 of 4 stars). 8 submissions from 8 submitters: Benign (7); Likely benign (1). Last evaluated 2026-02-03.

Conditions:
Congenital myasthenic syndrome 4C (CMS4C). Also called: Myasthenic syndrome, congenital, associated with acetylcholine receptor deficiency. Identifiers: Orphanet 590, MedGen C1837091, MONDO:0012157, OMIM 608931.
Congenital myasthenic syndrome 2A. Also called: Myasthenic syndrome, congenital, 2a, slow-channel. Identifiers: Orphanet 590, MedGen C4225374, MONDO:0014581, OMIM 616313.

Allele frequency attached by ClinVar (database versions not stated): ESP Exome Variant Server 0.14862; gnomAD exomes 0.15660 and 0.17526; TOPMed 0.15967; gnomAD 0.16463 and 0.16629; ExAC 0.17480; 1000 Genomes Project 30x 0.18442; 1000 Genomes Project 0.18730.
gnomAD v4.1: 254,289 of 1,613,754 alleles (16%); highest among the groups gnomAD compares: South Asian, 22%; 21,213 homozygotes.

Submissions (16):

Labcorp Genetics (formerly Invitae), Labcorp
Classification: Benign for Congenital myasthenic syndrome 2A. Last evaluated: 2026-02-03. Review status: criteria provided, single submitter. Criteria: Invitae Variant Classification Sherloc (09022015). Collection method: clinical testing. Allele origin: germline.

Blueprint Genetics
Classification: Likely benign. Last evaluated: 2024-11-27. Review status: criteria provided, single submitter. Criteria: ACMG Guidelines, 2015. Collection method: clinical testing. Allele origin: germline.

Mayo Clinic Laboratories, Mayo Clinic
Classification: Benign. Last evaluated: 2018-01-16. Review status: criteria provided, single submitter. Criteria: ACMG Guidelines, 2015. Collection method: clinical testing. Allele origin: germline. Observed: 124 variant alleles.

Illumina Laboratory Services, Illumina
Classification: Benign for Congenital myasthenic syndrome 4C. Last evaluated: 2018-01-12. Review status: criteria provided, single submitter. Criteria: ICSL Variant Classification Criteria 13 December 2019. Collection method: clinical testing. Allele origin: germline.
Comment: This variant was observed in the ICSL laboratory as part of a predisposition screen in an ostensibly healthy population. It had not been previously curated by ICSL or reported in the Human Gene Mutation Database (HGMD: prior to June 1st, 2018), and was therefore a candidate for classification through an automated scoring system. Utilizing variant allele frequency, disease prevalence and penetrance estimates, and inheritance mode, an automated score was calculated to assess if this variant is too frequent to cause the disease. Based on the score and internal cut-off values, a variant classified as benign is not then subjected to further curation. The score for this variant resulted in a classification of benign for this disease.

GeneDx
Classification: Benign. Last evaluated: 2016-02-19. Review status: criteria provided, single submitter. Criteria: GeneDx Variant Classification (06012015). Collection method: clinical testing. Allele origin: germline. Affected: yes.
Comment: This variant is considered likely benign or benign based on one or more of the following criteria: it is a conservative change, it occurs at a poorly conserved position in the protein, it is predicted to be benign by multiple in silico algorithms, and/or has population frequency not consistent with disease.

Genetic Services Laboratory, University of Chicago
Classification: Benign for AllHighlyPenetrant. Last evaluated: 2013-08-15. Review status: criteria provided, single submitter. Criteria: ACMG Guidelines, 2007. Collection method: clinical testing. Allele origin: germline.

Breakthrough Genomics
Classification: Benign. Review status: criteria provided, single submitter. Criteria: ACMG Guidelines, 2015. Collection method: not provided. Allele origin: germline. Inheritance: Autosomal recessive inheritance. Affected: yes.

PreventionGenetics, part of Exact Sciences
Classification: Benign. Review status: criteria provided, single submitter. Criteria: ACMG Guidelines, 2015. Collection method: clinical testing. Allele origin: germline.

Dr. Peter K. Rogan Lab, Western University
No classification provided (evidence only). Condition: Malignant lymphoma, large B-cell, diffuse. Review status: no classification provided. Collection method: in vitro. Allele origin: not applicable. Functional consequence: retained intron. Not counted in ClinVar's aggregate classification.

Dr. Peter K. Rogan Lab, Western University
No classification provided (evidence only). Condition: Malignant lymphoma, large B-cell, diffuse. Review status: no classification provided. Collection method: in vitro. Allele origin: not applicable. Functional consequence: retained intron. Not counted in ClinVar's aggregate classification.

Dr. Peter K. Rogan Lab, Western University
No classification provided (evidence only). Condition: Malignant lymphoma, large B-cell, diffuse. Review status: no classification provided. Collection method: in vitro. Allele origin: not applicable. Functional consequence: retained intron. Not counted in ClinVar's aggregate classification.

Dr. Peter K. Rogan Lab, Western University
No classification provided (evidence only). Condition: Malignant lymphoma, large B-cell, diffuse. Review status: no classification provided. Collection method: in vitro. Allele origin: not applicable. Functional consequence: retained intron. Not counted in ClinVar's aggregate classification.

Dr. Peter K. Rogan Lab, Western University
No classification provided (evidence only). Condition: Uterine carcinosarcoma. Review status: no classification provided. Collection method: in vitro. Allele origin: not applicable. Functional consequence: retained intron. Not counted in ClinVar's aggregate classification.

Dr. Peter K. Rogan Lab, Western University
No classification provided (evidence only). Condition: Uterine carcinosarcoma. Review status: no classification provided. Collection method: in vitro. Allele origin: not applicable. Functional consequence: retained intron. Not counted in ClinVar's aggregate classification.

Dr. Peter K. Rogan Lab, Western University
No classification provided (evidence only). Condition: Uterine carcinosarcoma. Review status: no classification provided. Collection method: in vitro. Allele origin: not applicable. Functional consequence: retained intron. Not counted in ClinVar's aggregate classification.

Dr. Peter K. Rogan Lab, Western University
No classification provided (evidence only). Condition: Uterine carcinosarcoma. Review status: no classification provided. Collection method: in vitro. Allele origin: not applicable. Functional consequence: retained intron. Not counted in ClinVar's aggregate classification.

NM_000747.3(CHRNB1):c.610+6T>C

Gene: CHRNB1 (cholinergic receptor nicotinic beta 1 subunit; plus strand). Cytogenetic location: 17p13.1.
Variant type: single nucleotide variant.
Coding change: c.610+6T>C on transcript NM_000747.3 (MANE Select); 6 bases into the intron after coding-DNA position 610, T replaced by C.
Molecular consequence: intron variant.
Genome position (GRCh38, 1-based): chr17:7,447,656, T>C. VCF-style: chr17-7447656-T-C. GRCh37 (hg19) VCF-style: chr17-7350975-T-C.
Other names: p.?.
Identifiers: ClinVar variation 128752 (VCV000128752.22), dbSNP rs2302765, ClinGen allele CA152391.
Genomic context (GRCh38, chr17:7,447,656, plus strand): 5'-GGTCCTGACGGGCAAGGGCATCAGGAAATCCACATTCATGAAGGGACTTTCATTGGTGAG[T>C]AGGCATGGCTCCTACATCCATGGGCTCTATCATTTCCAGCTTCTAACAGACTCATAAATA-3'